The following is an entry in ClinVar:

NM_014946.4(SPAST):c.1691del (p.Leu564fs)

Gene: SPAST (spastin; plus strand). Cytogenetic location: 2p22.3.
Variant type: Deletion.
Coding change: c.1691del on transcript NM_014946.4 (MANE Select); coding-DNA position 1691, one base deleted (T; older notation c.1691delT).
Protein change: p.Leu564fs; shifts the reading frame from leucine 564.
Molecular consequence: frameshift variant.
Genome position (GRCh38, 1-based): chr2:32,147,221, T deleted. VCF-style (leftmost placement, unchanged base first): chr2-32147220-CT-C. GRCh37 (hg19) VCF-style: chr2-32372289-CT-C.
Other names: c.1688del, p.Leu563fs (NM_001363823.2); c.1592del, p.Leu531fs (NM_001363875.2); c.1524del, p.Thr510fs (NM_001377959.1); c.1595del, p.Leu532fs (NM_199436.2); short protein forms L531fs, L532fs, L563fs, L564fs, T510fs.
Identifiers: ClinVar variation 1699021 (VCV001699021.3), dbSNP rs2148762771, ClinGen allele CA923726248.

ClinVar aggregate classification (germline): Pathogenic (1 of 4 stars; one submission).

Conditions:
Hereditary spastic paraplegia 4. Also called: Spastic Paraplegia 4; Spastic paraplegia 4, autosomal dominant; Familial spastic paraplegia autosomal dominant 2. Identifiers: Orphanet 100985, MedGen C1866855, MONDO:0008438, OMIM 182601.

Submission:

Victorian Clinical Genetics Services, Murdoch Childrens Research Institute
Classification: Pathogenic for Hereditary spastic paraplegia 4. Last evaluated: 2023-07-17. Review status: criteria provided, single submitter. Criteria: ACMG Guidelines, 2015. Collection method: clinical testing. Allele origin: germline. Inheritance: Autosomal dominant inheritance. Affected: yes.
Comment: Based on the classification scheme VCGS_Germline_v1.3.4, this variant is classified as Pathogenic. Following criteria are met: 0103 - Dominant negative and loss of function are known mechanisms of disease for this gene and are associated with spastic paraplegia 4 (MIM#182601). Multiple loss of function variants have been reported, while a dominant negative mechanism has been stipulated for a small number of missense variants (ClinVar; PMID: 30006150). (I) 0107 - This gene is associated with autosomal dominant disease. (I) 0112 - The condition associated with this gene has incomplete penetrance (PMID: 30476002). (I) 0205 - Variant is predicted to result in a truncated protein (premature termination codon is NOT located at least 54 nucleotides upstream of the final exon-exon junction) with less than 1/3 of the protein sequence affected. (SP) 0251 - This variant is heterozygous. (I) 0301 - Variant is absent from gnomAD (both v2 and v3). (SP) 0600 - Variant truncates the annotated Vps4 C terminal oligomerisation domain (DECIPHER). (I) 0701 - Other truncating variants comparable to the one identified in this case have very strong previous evidence for pathogenicity. More than five truncating variants have been reported downstream from this variant (Clinvar; PMID: 15841487, 31594988, 31630374). (SP) 0807 - This variant has no previous evidence of pathogenicity. (I) 0905 - No published segregation evidence has been identified for this variant. (I) 1007 - No published functional evidence has been identified for this variant. (I) 1208 - Inheritance information for this variant is not currently available in this individual. (I) Legend: (SP) - Supporting pathogenic, (I) - Information, (SB) - Supporting benign

Literature cited by the submitters: PubMed 15841487; PubMed 30006150; PubMed 30476002; PubMed 31594988; PubMed 31630374.